The following is an entry in ClinVar:

ClinVar aggregate classification (germline): Uncertain significance (1 of 4 stars; one submission).

Conditions:
Frontotemporal dementia and/or amyotrophic lateral sclerosis 6 (FTDALS6). Also called: VCP-Related Amyotrophic Lateral Sclerosis; VCP-Related Amyotrophic Lateral Sclerosis/Frontotemporal Dementia. Identifiers: Orphanet 275872, Orphanet 803, MedGen C5436279, MONDO:0013501, OMIM 613954.
Inclusion body myopathy with Paget disease of bone and frontotemporal dementia. Also called: Inclusion body myopathy with early-onset Paget disease and frontotemporal dementia. Identifiers: Orphanet 52430, MedGen C1833662, MONDO:0000507.

Submission:

Labcorp Genetics (formerly Invitae), Labcorp
Classification: Uncertain significance for Inclusion body myopathy with Paget disease of bone and frontotemporal dementia; Frontotemporal dementia and/or amyotrophic lateral sclerosis 6. Last evaluated: 2022-05-26. Review status: criteria provided, single submitter. Criteria: Invitae Variant Classification Sherloc (09022015). Collection method: clinical testing. Allele origin: germline.
Comment: This variant has not been reported in the literature in individuals affected with VCP-related conditions. In summary, the available evidence is currently insufficient to determine the role of this variant in disease. Therefore, it has been classified as a Variant of Uncertain Significance. Advanced modeling of protein sequence and biophysical properties (such as structural, functional, and spatial information, amino acid conservation, physicochemical variation, residue mobility, and thermodynamic stability) performed at Invitae indicates that this missense variant is expected to disrupt VCP protein function. This variant is not present in population databases (gnomAD no frequency). This sequence change replaces tyrosine, which is neutral and polar, with histidine, which is basic and polar, at codon 134 of the VCP protein (p.Tyr134His).

NM_007126.5(VCP):c.400T>C (p.Tyr134His)

Gene: VCP (valosin containing protein; minus strand). Cytogenetic location: 9p13.3.
Variant type: single nucleotide variant.
Coding change: c.400T>C on transcript NM_007126.5 (MANE Select); coding-DNA position 400, T replaced by C.
Protein change: p.Tyr134His; replaces tyrosine 134 with histidine.
Molecular consequence: missense variant.
Genome position (GRCh38, 1-based): chr9:35,066,720, A>G on the plus strand (T>C on the coding strand, the complement: VCP is on the minus strand). VCF-style: chr9-35066720-A-G. GRCh37 (hg19) VCF-style: chr9-35066717-A-G.
Other names: c.265T>C, p.Tyr89His (NM_001354927.2, NM_001354928.2); short protein forms Y134H, Y89H.
Identifiers: ClinVar variation 2133475 (VCV002133475.4), dbSNP rs2490370273, ClinGen allele CA373291815.